The following is an entry in ClinVar:

ClinVar aggregate classification (germline): Uncertain significance. Review status: criteria provided, multiple submitters, no conflicts (2 of 4 stars). 3 submissions from 3 submitters: Uncertain significance (3). Last evaluated 2025-04-02.

Allele frequency attached by ClinVar (database versions not stated): gnomAD exomes below 0.00001; TOPMed below 0.00001; ExAC 0.00001; gnomAD 0.00001; ESP Exome Variant Server 0.00008.
gnomAD v4.1: 4 of 1,614,038 alleles (0.00025%); highest among the groups gnomAD compares: Non-Finnish European, 0.00034%; no homozygotes.

Submissions (3):

GeneDx
Classification: Uncertain significance. Last evaluated: 2025-04-02. Review status: criteria provided, single submitter. Criteria: GeneDx Variant Classification Process June 2021. Collection method: clinical testing. Allele origin: germline. Affected: yes.
Comment: Not observed at significant frequency in large population cohorts (gnomAD); In silico analysis indicates that this missense variant does not alter protein structure/function; Has not been previously published as pathogenic or benign to our knowledge

Women's Health and Genetics/Laboratory Corporation of America, LabCorp
Classification: Uncertain significance. Last evaluated: 2023-08-19. Review status: criteria provided, single submitter. Criteria: LabCorp Variant Classification Summary - May 2015. Collection method: clinical testing. Allele origin: germline.

Ambry Genetics
Classification: Uncertain significance. Last evaluated: 2023-07-27. Review status: criteria provided, single submitter. Criteria: Ambry Variant Classification Scheme 2023. Collection method: clinical testing. Allele origin: germline.
Comment: The p.G453A variant (also known as c.1358G>C), located in coding exon 4 of the TMPO gene, results from a G to C substitution at nucleotide position 1358. The glycine at codon 453 is replaced by alanine, an amino acid with similar properties. This amino acid position is conserved. In addition, this alteration is predicted to be tolerated by in silico analysis. Since supporting evidence is limited at this time, the clinical significance of this alteration remains unclear.

NM_001032283.3(TMPO):c.565+1777G>C

Gene: TMPO (thymopoietin; plus strand). Cytogenetic location: 12q23.1.
Variant type: single nucleotide variant.
Coding change: c.565+1777G>C on transcript NM_001032283.3 (MANE Select); 1777 bases into the intron after coding-DNA position 565, G replaced by C.
Molecular consequence: intron variant. On other transcripts: missense variant (1).
Genome position (GRCh38, 1-based): chr12:98,533,615, G>C. VCF-style: chr12-98533615-G-C. GRCh37 (hg19) VCF-style: chr12-98927393-G-C.
Other names: c.1358G>C, p.Gly453Ala (NM_003276.2); c.565+1777G>C (NM_001307975.2, NM_001032284.3); short protein forms G453A.
Identifiers: ClinVar variation 2581214 (VCV002581214.4), dbSNP rs368161386, ClinGen allele CA6732403.